The following is an entry in ClinVar:

NM_001845.6(COL4A1):c.536G>C (p.Gly179Ala)

Gene: COL4A1 (collagen type IV alpha 1 chain; minus strand). Cytogenetic location: 13q34.
Variant type: single nucleotide variant.
Coding change: c.536G>C on transcript NM_001845.6 (MANE Select); coding-DNA position 536, G replaced by C.
Protein change: p.Gly179Ala; replaces glycine 179 with alanine.
Molecular consequence: missense variant.
Genome position (GRCh38, 1-based): chr13:110,210,145, C>G on the plus strand (G>C on the coding strand, the complement: COL4A1 is on the minus strand). VCF-style: chr13-110210145-C-G. GRCh37 (hg19) VCF-style: chr13-110862492-C-G.
Other names: c.536G>C, p.Gly179Ala (NM_001303110.2); short protein forms G179A.
Identifiers: ClinVar variation 2690573 (VCV002690573.4), dbSNP rs1879717674, ClinGen allele CA388725593.

ClinVar aggregate classification (germline): Likely pathogenic. Review status: criteria provided, multiple submitters, no conflicts (2 of 4 stars). 3 submissions from 3 submitters: Likely pathogenic (3). Last evaluated 2025-06-08.

Conditions:
Brain small vessel disease 1 with or without ocular anomalies (BSVD1). Also called: PORENCEPHALY, TYPE 1, AUTOSOMAL DOMINANT; GOULD SYNDROME 1; BRAIN SMALL VESSEL DISEASE WITH HEMORRHAGE; Brain small vessel disease with or without ocular anomalies. Identifiers: Orphanet 2940, Orphanet 36383, Orphanet 99810, MedGen C4755307, MONDO:0008289, OMIM 175780.
Microangiopathy and leukoencephalopathy, pontine, autosomal dominant. Also called: DEMENTIA, HEREDITARY MULTI-INFARCT, SWEDISH TYPE; Pontine autosomal dominant microangiopathy with leukoencephalopathy. Identifiers: Orphanet 477749, MedGen C5231411, MONDO:0032814, OMIM 618564.
Hemorrhage, intracerebral, susceptibility to (ICH). Also called: Stroke, hemorrhagic, susceptibility to. Identifiers: MedGen C3281105, MONDO:0100533, OMIM 614519.
Retinal arterial tortuosity. Also called: Retinal arteries, tortuosity of; RETINAL HEMORRHAGE WITH VASCULAR TORTUOSITY. Identifiers: Orphanet 75326, MedGen C0423401, MONDO:0008373, OMIM 180000, HP:0000631.
Autosomal dominant familial hematuria-retinal arteriolar tortuosity-contractures syndrome. Also called: Angiopathy, hereditary, with nephropathy, aneurysms, and muscle cramps; Hereditary Angiopathy with Nephropathy, Aneurysms, and Muscle Cramps (HANAC) Syndrome. Identifiers: Orphanet 73229, MedGen C2673195, MONDO:0012726, OMIM 611773.

Allele frequency attached by ClinVar (database versions not stated): TOPMed below 0.00001.

Submissions (3):

Labcorp Genetics (formerly Invitae), Labcorp
Classification: Likely pathogenic. Last evaluated: 2025-06-08. Review status: criteria provided, single submitter. Criteria: Invitae Variant Classification Sherloc (09022015). Collection method: clinical testing. Allele origin: germline.
Comment: This sequence change replaces glycine, which is neutral and non-polar, with alanine, which is neutral and non-polar, at codon 179 of the COL4A1 protein (p.Gly179Ala). This variant is not present in population databases (gnomAD no frequency). This variant has not been reported in the literature in individuals affected with COL4A1-related conditions. ClinVar contains an entry for this variant (Variation ID: 2690573). Invitae Evidence Modeling of protein sequence and biophysical properties (such as structural, functional, and spatial information, amino acid conservation, physicochemical variation, residue mobility, and thermodynamic stability) indicates that this missense variant is expected to disrupt COL4A1 protein function with a positive predictive value of 95%. This variant disrupts the triple helix domain of COL4A1. Glycine residues within the Gly-Xaa-Yaa repeats of the triple helix domain are required for the structure and stability of fibrillar collagens (PMID: 7695699, 8218237, 19344236). In COL4A1 variants affecting these glycine residues are significantly enriched in individuals with disease (PMID: 9016532, 17078022) compared to the general population (ExAC). In summary, the currently available evidence indicates that the variant is pathogenic, but additional data are needed to prove that conclusively. Therefore, this variant has been classified as Likely Pathogenic.

Fulgent Genetics
Classification: Likely pathogenic for Brain small vessel disease 1 with or without ocular anomalies; Retinal arterial tortuosity; Autosomal dominant familial hematuria-retinal arteriolar tortuosity-contractures syndrome; Hemorrhage, intracerebral, susceptibility to; Microangiopathy and leukoencephalopathy, pontine, autosomal dominant. Last evaluated: 2024-03-06. Review status: criteria provided, single submitter. Criteria: ACMG Guidelines, 2015. Collection method: clinical testing. Allele origin: germline.

Revvity Omics, Revvity
Classification: Likely pathogenic. Last evaluated: 2024-02-21. Review status: criteria provided, single submitter. Criteria: ACMG Guidelines, 2015. Collection method: clinical testing. Allele origin: germline.

Literature cited by the submitters: PubMed 7695699 (cited by Labcorp Genetics (formerly Invitae), Labcorp); PubMed 8218237 (cited by Labcorp Genetics (formerly Invitae), Labcorp); PubMed 19344236 (cited by Labcorp Genetics (formerly Invitae), Labcorp); PubMed 9016532 (cited by Labcorp Genetics (formerly Invitae), Labcorp); PubMed 17078022 (cited by Labcorp Genetics (formerly Invitae), Labcorp).